The following is an entry in ClinVar:

NM_000302.4(PLOD1):c.1130A>C (p.Tyr377Ser)

Gene: PLOD1 (procollagen-lysine,2-oxoglutarate 5-dioxygenase 1; plus strand). Cytogenetic location: 1p36.22.
Variant type: single nucleotide variant.
Coding change: c.1130A>C on transcript NM_000302.4 (MANE Select); coding-DNA position 1130, A replaced by C.
Protein change: p.Tyr377Ser; replaces tyrosine 377 with serine.
Molecular consequence: missense variant.
Genome position (GRCh38, 1-based): chr1:11,963,564, A>C. VCF-style: chr1-11963564-A-C. GRCh37 (hg19) VCF-style: chr1-12023621-A-C.
Other names: c.1271A>C, p.Tyr424Ser (NM_001316320.2); short protein forms Y377S, Y424S.
Identifiers: ClinVar variation 1009478 (VCV001009478.11), dbSNP rs754748178, ClinGen allele CA598296.

ClinVar aggregate classification (germline): Uncertain significance. Review status: criteria provided, multiple submitters, no conflicts (2 of 4 stars). 3 submissions from 3 submitters: Uncertain significance (3). Last evaluated 2024-05-19.

Conditions:
Familial thoracic aortic aneurysm and aortic dissection (TAAD). Also called: Thoracic aortic aneurysms and dissections. Identifiers: Orphanet 91387, MedGen C4707243, MONDO:0019625.
Ehlers-Danlos syndrome, kyphoscoliotic type 1 (EDSKSCL1). Also called: EHLERS-DANLOS SYNDROME, TYPE VIA; PLOD1-Related Kyphoscoliotic Ehlers-Danlos Syndrome; Ehlers-Danlos syndrome, hydroxylysine-deficient; EHLERS-DANLOS SYNDROME, OCULAR-SCOLIOTIC TYPE. Identifiers: Orphanet 1900, MedGen C0268342, MONDO:0016002, OMIM 225400. Disease mechanism: loss of function.

Allele frequency attached by ClinVar (database versions not stated): gnomAD 0.00001; ExAC 0.00003; gnomAD exomes 0.00004; TOPMed 0.00005.
gnomAD v4.1: 17 of 1,604,138 alleles (0.0011%); highest among the groups gnomAD compares: East Asian, 0.038%; no homozygotes.

Submissions (3):

Ambry Genetics
Classification: Uncertain significance for Familial thoracic aortic aneurysm and aortic dissection. Last evaluated: 2024-05-19. Review status: criteria provided, single submitter. Criteria: Ambry Variant Classification Scheme 2023. Collection method: clinical testing. Allele origin: germline.
Comment: The p.Y377S variant (also known as c.1130A>C), located in coding exon 11 of the PLOD1 gene, results from an A to C substitution at nucleotide position 1130. The tyrosine at codon 377 is replaced by serine, an amino acid with dissimilar properties. This amino acid position is conserved. In addition, this alteration is predicted to be deleterious by in silico analysis. Since supporting evidence is limited at this time, the clinical significance of this alteration remains unclear.

Fulgent Genetics
Classification: Uncertain significance for Ehlers-Danlos syndrome, kyphoscoliotic type 1. Last evaluated: 2022-04-27. Review status: criteria provided, single submitter. Criteria: ACMG Guidelines, 2015. Collection method: clinical testing. Allele origin: unknown.

Labcorp Genetics (formerly Invitae), Labcorp
Classification: Uncertain significance for Ehlers-Danlos syndrome, kyphoscoliotic type 1. Last evaluated: 2021-09-01. Review status: criteria provided, single submitter. Criteria: Invitae Variant Classification Sherloc (09022015). Collection method: clinical testing. Allele origin: germline.
Comment: This sequence change replaces tyrosine with serine at codon 377 of the PLOD1 protein (p.Tyr377Ser). The tyrosine residue is highly conserved and there is a large physicochemical difference between tyrosine and serine. This variant is present in population databases (rs754748178, ExAC 0.04%). This variant has not been reported in the literature in individuals affected with PLOD1-related conditions. Algorithms developed to predict the effect of missense changes on protein structure and function (SIFT, PolyPhen-2, Align-GVGD) all suggest that this variant is likely to be disruptive. In summary, the available evidence is currently insufficient to determine the role of this variant in disease. Therefore, it has been classified as a Variant of Uncertain Significance.